The following is an entry in ClinVar:

NM_199420.4(POLQ):c.4932G>T (p.Arg1644Ser)

Gene: POLQ (DNA polymerase theta; minus strand). Cytogenetic location: 3q13.33.
Variant type: single nucleotide variant.
Coding change: c.4932G>T on transcript NM_199420.4 (MANE Select); coding-DNA position 4932, G replaced by T.
Protein change: p.Arg1644Ser; replaces arginine 1644 with serine.
Molecular consequence: missense variant.
Genome position (GRCh38, 1-based): chr3:121,487,999, C>A on the plus strand (G>T on the coding strand, the complement: POLQ is on the minus strand). VCF-style: chr3-121487999-C-A. GRCh37 (hg19) VCF-style: chr3-121206846-C-A.
Other names: short protein forms R1644S.
Identifiers: ClinVar variation 1744208 (VCV001744208.2), dbSNP rs2546785353, ClinGen allele CA354093122.

ClinVar aggregate classification (germline): Uncertain significance (1 of 4 stars; one submission).

Allele frequency attached by ClinVar (database versions not stated): gnomAD exomes below 0.00001.
gnomAD v4.1: 2 of 1,613,000 alleles (0.00012%); highest among the groups gnomAD compares: Non-Finnish European, 0.00017%; no homozygotes.

Submission:

Ambry Genetics
Classification: Uncertain significance. Last evaluated: 2021-09-26. Review status: criteria provided, single submitter. Criteria: Ambry Variant Classification Scheme 2023. Collection method: clinical testing. Allele origin: germline.
Comment: The p.R1644S variant (also known as c.4932G>T), located in coding exon 16 of the POLQ gene, results from a G to T substitution at nucleotide position 4932. The arginine at codon 1644 is replaced by serine, an amino acid with dissimilar properties. This amino acid position is conserved. In addition, this alteration is predicted to be tolerated by in silico analysis. Since supporting evidence is limited at this time, the clinical significance of this alteration remains unclear.